The following is an entry in ClinVar:

NM_001378615.1(CC2D2A):c.3803_3804del (p.Gln1268fs)

Genes: CC2D2A (coiled-coil and C2 domain containing 2A; plus strand), FBXL5 (F-box and leucine rich repeat protein 5; minus strand). Cytogenetic location: 4p15.32.
Variant type: Deletion.
Coding change: c.3803_3804del on transcript NM_001378615.1 (MANE Select); coding-DNA positions 3803 to 3804, 2 bases deleted (AA; older notation c.3803_3804delAA).
Protein change: p.Gln1268fs; shifts the reading frame from glutamine 1268.
Molecular consequence: frameshift variant.
Genome position (GRCh38, 1-based): chr4:15,579,999-15,580,000, AA deleted. VCF-style (leftmost placement, unchanged base first): chr4-15579998-CAA-C. GRCh37 (hg19) VCF-style: chr4-15581621-CAA-C.
Other names: c.3803_3804del, p.Gln1268fs (NM_001080522.2); c.3656_3657del, p.Gln1219fs (NM_001378617.1); short protein forms Q1268fs, Q1219fs.
Identifiers: ClinVar variation 1444655 (VCV001444655.6), dbSNP rs2109083312, ClinGen allele CA2573137618.

ClinVar aggregate classification (germline): Pathogenic (1 of 4 stars; one submission).

Conditions:
Joubert syndrome. Also called: JOUBERT-BOLTSHAUSER SYNDROME; Familial aplasia of the vermis. Identifiers: Orphanet 475, MedGen C5979921, MONDO:0018772.
Meckel-Gruber syndrome. Also called: DYSENCEPHALIA SPLANCHNOCYSTICA; GRUBER SYNDROME; Dysencephalia splachnocystica. Identifiers: Orphanet 564, MedGen C0265215, MONDO:0018921.

Allele frequency attached by ClinVar (database versions not stated): gnomAD exomes below 0.00001.

Submission:

Labcorp Genetics (formerly Invitae), Labcorp
Classification: Pathogenic for Joubert syndrome; Meckel-Gruber syndrome. Last evaluated: 2021-08-18. Review status: criteria provided, single submitter. Criteria: Invitae Variant Classification Sherloc (09022015). Collection method: clinical testing. Allele origin: germline.
Comment: This sequence change creates a premature translational stop signal (p.Gln1268Argfs*3) in the CC2D2A gene. It is expected to result in an absent or disrupted protein product. Loss-of-function variants in CC2D2A are known to be pathogenic (PMID: 19777577). This variant is not present in population databases (ExAC no frequency). This variant has not been reported in the literature in individuals affected with CC2D2A-related conditions. For these reasons, this variant has been classified as Pathogenic.

Literature cited by the submitters: PubMed 19777577.